The following is an entry in ClinVar:

ClinVar aggregate classification (germline): Uncertain significance (0 of 4 stars; one submission).

Allele frequency attached by ClinVar (database versions not stated): gnomAD exomes below 0.00001; gnomAD 0.00001.
gnomAD v4.1: 2 of 1,549,224 alleles (0.00013%); highest among the groups gnomAD compares: South Asian, 0.0012%; no homozygotes.

Submission:

Department of Pathology and Laboratory Medicine, Sinai Health System
Classification: Uncertain significance. Review status: no assertion criteria provided. Collection method: clinical testing. Allele origin: unknown. Affected: yes. Study: The Canadian Open Genetics Repository (COGR).
Comment: The PRDM6 p.Glu247Asp variant was not identified in the literature nor was it identified in the dbSNP, ClinVar, Clinvitae, MutDB or LOVD 3.0 databases. The variant was not identified in the following control databases: the 1000 Genomes Project, the NHLBI GO Exome Sequencing Project, the Exome Aggregation Consortium (August 8th 2016), or the Genome Aggregation Database (Feb 27, 2017). The c.741G>T variant is predicted by four out of four in silico or computational prediction software programs (SpliceSiteFinder, MaxEntScan, NNSPLICE, GeneSplicer) to cause the loss of an unannotated 5' splice site. As this splice site is not currently recognized or annotated in any PRDM6 transcript, it is unclear how or if this would affect the protein. The p.Glu247 residue is highly conserved however computational analyses (PolyPhen-2, SIFT, AlignGVGD, BLOSUM, MutationTaster) provide inconsistent predictions regarding the impact to the protein; this information is not very predictive of pathogenicity. In summary, based on the above information the clinical significance of this variant cannot be determined with certainty at this time. This variant is classified as a variant of uncertain significance.

NM_001136239.4(PRDM6):c.741G>T (p.Glu247Asp)

Gene: PRDM6 (PR/SET domain 6; plus strand). Cytogenetic location: 5q23.2.
Variant type: single nucleotide variant.
Coding change: c.741G>T on transcript NM_001136239.4 (MANE Select); coding-DNA position 741, G replaced by T.
Protein change: p.Glu247Asp; replaces glutamic acid 247 with aspartic acid.
Molecular consequence: missense variant.
Genome position (GRCh38, 1-based): chr5:123,099,802, G>T. VCF-style: chr5-123099802-G-T. GRCh37 (hg19) VCF-style: chr5-122435497-G-T.
Other names: short protein forms E247D.
Identifiers: ClinVar variation 1050535 (VCV001050535.1), dbSNP rs1764056491, ClinGen allele CA360921186.
Genomic context (GRCh38, chr5:123,099,802, plus strand): 5'-CGCTGCGGCCGCCGCGCCCCCGCCGGAGCTGCCGGAGTGGCTGCGGGACCTGCCTCGCGA[G>T]GTGTGCCTCTGCACCAGTACTGTGCCCGGCCTGGCCTACGGCATCTGCGCGGCGCAGAGG-3'
Protein context (NP_001129711.1, residues 237-257): LPEWLRDLPR[Glu247Asp]VCLCTSTVPG